The following is an entry in ClinVar:

ClinVar aggregate classification (germline): Benign. Review status: criteria provided, multiple submitters, no conflicts (2 of 4 stars). 3 submissions from 3 submitters: Benign (3). Last evaluated 2026-01-25.

Conditions:
Methylmalonate semialdehyde dehydrogenase deficiency (MMSDHD). Also called: MMSDH DEFICIENCY. Identifiers: Orphanet 289307, MedGen C3279840, MONDO:0013579, OMIM 614105.

Allele frequency attached by ClinVar (database versions not stated): gnomAD exomes 0.00111; ExAC 0.00148; gnomAD 0.00450 and 0.00477; TOPMed 0.00469; ESP Exome Variant Server 0.00577; 1000 Genomes Project 0.00599; 1000 Genomes Project 30x 0.00609.
gnomAD v4.1: 1,347 of 1,614,010 alleles (0.083%); highest among the groups gnomAD compares: African/African-American, 1.6%; 12 homozygotes.

Submissions (3):

Labcorp Genetics (formerly Invitae), Labcorp
Classification: Benign. Last evaluated: 2026-01-25. Review status: criteria provided, single submitter. Criteria: Invitae Variant Classification Sherloc (09022015). Collection method: clinical testing. Allele origin: germline.

Illumina Laboratory Services, Illumina
Classification: Benign for Methylmalonate semialdehyde dehydrogenase deficiency. Last evaluated: 2018-01-12. Review status: criteria provided, single submitter. Criteria: ICSL Variant Classification Criteria 13 December 2019. Collection method: clinical testing. Allele origin: germline.
Comment: This variant was observed in the ICSL laboratory as part of a predisposition screen in an ostensibly healthy population. It had not been previously curated by ICSL or reported in the Human Gene Mutation Database (HGMD: prior to June 1st, 2018), and was therefore a candidate for classification through an automated scoring system. Utilizing variant allele frequency, disease prevalence and penetrance estimates, and inheritance mode, an automated score was calculated to assess if this variant is too frequent to cause the disease. Based on the score and internal cut-off values, a variant classified as benign is not then subjected to further curation. The score for this variant resulted in a classification of benign for this disease.

Breakthrough Genomics
Classification: Benign. Review status: criteria provided, single submitter. Criteria: ACMG Guidelines, 2015. Collection method: not provided. Allele origin: germline. Inheritance: Autosomal recessive inheritance. Affected: yes.

NM_005589.4(ALDH6A1):c.1455C>T (p.Thr485=)

Genes: ALDH6A1 (aldehyde dehydrogenase 6 family member A1; minus strand), BBOF1 (basal body orientation factor 1; plus strand). Cytogenetic location: 14q24.3.
Variant type: single nucleotide variant.
Coding change: c.1455C>T on transcript NM_005589.4 (MANE Select); coding-DNA position 1455, C replaced by T.
Protein change: p.Thr485=; no amino-acid change (threonine 485 retained).
Molecular consequence: synonymous variant. On other transcripts: 3 prime UTR variant (1).
Genome position (GRCh38, 1-based): chr14:74,064,870, G>A on the plus strand (C>T on the coding strand, the complement: ALDH6A1 is on the minus strand). VCF-style: chr14-74064870-G-A. GRCh37 (hg19) VCF-style: chr14-74531573-G-A.
Other names: c.1416C>T, p.Thr472= (NM_001278593.2); c.993C>T, p.Thr331= (NM_001278594.2); c.*171G>A (NM_025057.3).
Identifiers: ClinVar variation 711610 (VCV000711610.14), dbSNP rs147004133, ClinGen allele CA7265616.